The following is an entry in ClinVar:

ClinVar aggregate classification (germline): Pathogenic (1 of 4 stars; one submission).

Conditions:
Anauxetic dysplasia. Identifiers: Orphanet 93347, MedGen C1846796, MONDO:0011773.

Submission:

Labcorp Genetics (formerly Invitae), Labcorp
Classification: Pathogenic for Anauxetic dysplasia. Last evaluated: 2022-07-16. Review status: criteria provided, single submitter. Criteria: Invitae Variant Classification Sherloc (09022015). Collection method: clinical testing. Allele origin: germline.
Comment: For these reasons, this variant has been classified as Pathogenic. This variant has not been reported in the literature in individuals affected with RMRP-related conditions. This variant occurs in the RMRP gene, which encodes an RNA molecule that does not result in a protein product. Loss-of-function variants in RMRP are known to be pathogenic (PMID: 11152140, 21204224). The boundaries of this event are unknown as they extend beyond the assayed region for this gene and therefore may encompass additional genes.

Literature cited by the submitters: PubMed 11152140; PubMed 21204224.

NC_000009.12:g.(?_35657741)_(35658028_?)del

Gene: RMRP (RNA component of mitochondrial RNA processing endoribonuclease; minus strand). Cytogenetic location: 9p13.3.
Variant type: Deletion.
Identifiers: ClinVar variation 830436 (VCV000830436.12).